The following is an entry in ClinVar:

ClinVar aggregate classification (germline): Uncertain significance. Review status: criteria provided, multiple submitters, no conflicts (2 of 4 stars). 2 submissions from 2 submitters: Uncertain significance (2). Last evaluated 2025-07-05.

Conditions:
Mosaic variegated aneuploidy syndrome 1 (MVA1). Also called: Warburton-Anyane-Yeboa syndrome. Identifiers: Orphanet 1052, MedGen C1850343, MONDO:0009759, OMIM 257300.
Inborn genetic diseases. Identifiers: MedGen C0950123, MeSH D030342.

Allele frequency attached by ClinVar (database versions not stated): gnomAD 0.00001; TOPMed 0.00001.

Submissions (2):

Labcorp Genetics (formerly Invitae), Labcorp
Classification: Uncertain significance for Mosaic variegated aneuploidy syndrome 1. Last evaluated: 2025-07-05. Review status: criteria provided, single submitter. Criteria: Invitae Variant Classification Sherloc (09022015). Collection method: clinical testing. Allele origin: germline.
Comment: This sequence change replaces serine, which is neutral and polar, with phenylalanine, which is neutral and non-polar, at codon 740 of the BUB1B protein (p.Ser740Phe). This variant is not present in population databases (gnomAD no frequency). This variant has not been reported in the literature in individuals affected with BUB1B-related conditions. ClinVar contains an entry for this variant (Variation ID: 1787886). An algorithm developed to predict the effect of missense changes on protein structure and function outputs the following: PolyPhen-2: "Benign". The phenylalanine amino acid residue is found in multiple mammalian species, which suggests that this missense change does not adversely affect protein function. In summary, the available evidence is currently insufficient to determine the role of this variant in disease. Therefore, it has been classified as a Variant of Uncertain Significance.

Ambry Genetics
Classification: Uncertain significance for Inborn genetic diseases. Last evaluated: 2024-02-22. Review status: criteria provided, single submitter. Criteria: Ambry Variant Classification Scheme 2023. Collection method: clinical testing. Allele origin: germline.
Comment: The p.S740F variant (also known as c.2219C>T), located in coding exon 17 of the BUB1B gene, results from a C to T substitution at nucleotide position 2219. The serine at codon 740 is replaced by phenylalanine, an amino acid with highly dissimilar properties. This amino acid position is conserved. In addition, this alteration is predicted to be tolerated by in silico analysis. Since supporting evidence is limited at this time, the clinical significance of this alteration remains unclear.

NM_001211.6(BUB1B):c.2219C>T (p.Ser740Phe)

Gene: BUB1B (BUB1 mitotic checkpoint serine/threonine kinase B; plus strand). Cytogenetic location: 15q15.1.
Variant type: single nucleotide variant.
Coding change: c.2219C>T on transcript NM_001211.6 (MANE Select); coding-DNA position 2219, C replaced by T.
Protein change: p.Ser740Phe; replaces serine 740 with phenylalanine.
Molecular consequence: missense variant.
Genome position (GRCh38, 1-based): chr15:40,209,710, C>T. VCF-style: chr15-40209710-C-T. GRCh37 (hg19) VCF-style: chr15-40501911-C-T.
Other names: short protein forms S740F.
Identifiers: ClinVar variation 1787886 (VCV001787886.3), dbSNP rs2037685789, ClinGen allele CA391694412.